The following is an entry in ClinVar:

ClinVar aggregate classification (germline): Uncertain significance. Review status: criteria provided, multiple submitters, no conflicts (2 of 4 stars). 3 submissions from 3 submitters: Uncertain significance (3). Last evaluated 2025-04-13.

Conditions:
Pheochromocytoma/paraganglioma syndrome 4. Also called: SDHB-Related Hereditary Paraganglioma-Pheochromocytoma Syndrome (Paragangliomas 4); SDHB-Related Hereditary Paraganglioma-Pheochromocytoma Syndrome; CAROTID BODY TUMORS AND MULTIPLE EXTRAADRENAL PHEOCHROMOCYTOMAS; PARAGANGLIOMA, FAMILIAL MALIGNANT; PARAGANGLIOMAS, HEREDITARY EXTRAADRENAL; PHEOCHROMOCYTOMA, FAMILIAL EXTRAADRENAL. Identifiers: Orphanet 29072, MedGen C1861848, MONDO:0007273, OMIM 115310.
Pheochromocytoma. Also called: MAX-Related Hereditary Paraganglioma-Pheochromocytoma Syndrome. Identifiers: Orphanet 29072, MedGen C0031511, MONDO:0008233, OMIM 171300, HP:0002666.
Gastrointestinal stromal tumor. Also called: Gastrointestinal stromal tumor, somatic; Gastrointestinal stroma tumor. Identifiers: Orphanet 44890, MedGen C0238198, MeSH D046152, MONDO:0011719, OMIM 606764, HP:0100723.
Hereditary pheochromocytoma and paraganglioma. Also called: Hereditary paragangliomas and pheochromocytomas; Hereditary pheochromocytoma-paraganglioma; Hereditary Paraganglioma-Pheochromocytoma Syndromes. Identifiers: Orphanet 29072, MedGen C4274332, MONDO:0017366.
Hereditary cancer-predisposing syndrome. Also called: Neoplastic Syndromes, Hereditary; Tumor predisposition; Hereditary Cancer Syndrome; Hereditary neoplastic syndrome. Identifiers: Orphanet 140162, MedGen C0027672, MeSH D009386, MONDO:0015356.

Allele frequency attached by ClinVar (database versions not stated): TOPMed below 0.00001; gnomAD exomes 0.00001.

Submissions (3):

Ambry Genetics
Classification: Uncertain significance for Hereditary cancer-predisposing syndrome. Last evaluated: 2025-04-13. Review status: criteria provided, single submitter. Criteria: Ambry Variant Classification Scheme 2023. Collection method: clinical testing. Allele origin: germline.
Comment: The p.N109S variant (also known as c.326A>G), located in coding exon 4 of the SDHB gene, results from an A to G substitution at nucleotide position 326. The asparagine at codon 109 is replaced by serine, an amino acid with highly similar properties. This variant has been reported in a paraganglioma and/or pheochromocytoma patient (Garrett A et al. Genet Med, 2022 Jan;24:41-50), as well as an individual with no personal or family history of cancer (Rana HQ et al. Cancers (Basel). 2024 Feb;16(5)). This amino acid position is highly conserved in available vertebrate species. In addition, the in silico prediction for this alteration is inconclusive. Based on the available evidence, the clinical significance of this variant remains unclear.

Labcorp Genetics (formerly Invitae), Labcorp
Classification: Uncertain significance for Gastrointestinal stromal tumor; Pheochromocytoma/paraganglioma syndrome 4; Pheochromocytoma. Last evaluated: 2024-11-18. Review status: criteria provided, single submitter. Criteria: Invitae Variant Classification Sherloc (09022015). Collection method: clinical testing. Allele origin: germline.
Comment: This sequence change replaces asparagine, which is neutral and polar, with serine, which is neutral and polar, at codon 109 of the SDHB protein (p.Asn109Ser). This variant is not present in population databases (gnomAD no frequency). This missense change has been observed in individual(s) with clinical features of SDHB-related conditions (PMID: 34906457). ClinVar contains an entry for this variant (Variation ID: 662485). Invitae Evidence Modeling of protein sequence and biophysical properties (such as structural, functional, and spatial information, amino acid conservation, physicochemical variation, residue mobility, and thermodynamic stability) indicates that this missense variant is expected to disrupt SDHB protein function with a positive predictive value of 80%. In summary, the available evidence is currently insufficient to determine the role of this variant in disease. Therefore, it has been classified as a Variant of Uncertain Significance.

All of Us Research Program, National Institutes of Health
Classification: Uncertain significance for Hereditary pheochromocytoma and paraganglioma. Last evaluated: 2024-03-24. Review status: criteria provided, single submitter. Criteria: ACMG Guidelines, 2015. Collection method: clinical testing. Allele origin: germline. Inheritance: Autosomal dominant inheritance. Observed: 1 variant allele, 1 heterozygote.
Comment: This missense variant replaces asparagine with serine at codon 109 of the SDHB protein. Computational prediction suggests that this variant may have deleterious impact on protein structure and function. To our knowledge, functional studies have not been reported for this variant. This variant has been reported in an individual affected with paraganglioma and/or pheochromocytoma in the literature (PMID: 34906457). This variant has not been identified in the general population by the Genome Aggregation Database (gnomAD). The available evidence is insufficient to determine the role of this variant in disease conclusively. Therefore, this variant is classified as a Variant of Uncertain Significance.

This study involves interpretation of variants in research participants for the purpose of population health screening. Participant phenotype was not available at the time of variant classification. Additional details can be found in publication PMID: 35346344, PMCID: PMC8962531

Literature cited by the submitters: PubMed 34906457 (cited by 3 submitters); PubMed 38473309 (cited by Ambry Genetics).

NM_003000.3(SDHB):c.326A>G (p.Asn109Ser)

Gene: SDHB (succinate dehydrogenase complex iron sulfur subunit B; minus strand). Cytogenetic location: 1p36.13.
Variant type: single nucleotide variant.
Coding change: c.326A>G on transcript NM_003000.3 (MANE Select); coding-DNA position 326, A replaced by G.
Protein change: p.Asn109Ser; replaces asparagine 109 with serine.
Molecular consequence: missense variant.
Genome position (GRCh38, 1-based): chr1:17,028,697, T>C on the plus strand (A>G on the coding strand, the complement: SDHB is on the minus strand). VCF-style: chr1-17028697-T-C. GRCh37 (hg19) VCF-style: chr1-17355192-T-C.
Other names: short protein forms N109S.
Identifiers: ClinVar variation 662485 (VCV000662485.12), dbSNP rs1570948643, ClinGen allele CA338274896.
Genomic context (GRCh38, chr1:17,028,697, plus strand): 5'-GGGTAGATTTTTGAGACCTTATTGAGGTTGGTGTCAATCCTTCGGGTGCAAGCTAGAGTG[T>C]TGCCTCCATTGATGTTCATTGCACAAGAGCCACAGATGCCTGAAAGAGACACACATTTAA-3'
Protein context (NP_002991.2, residues 99-119): GSCAMNINGG[Asn109Ser]TLACTRRIDT